The following is an entry in ClinVar:

ClinVar aggregate classification (germline): Conflicting classifications of pathogenicity. Review status: criteria provided, conflicting classifications (1 of 4 stars). 3 submissions from 3 submitters: Uncertain significance (2); Likely benign (1). Last evaluated 2023-05-20.

Conditions:
Autosomal dominant Parkinson disease 8. Also called: LRRK2-Related Parkinson Disease; Parkinson disease 8; Parkinson disease 8, susceptibility to. Identifiers: Orphanet 411602, MedGen C1846862, MONDO:0011764, OMIM 607060.

Allele frequency attached by ClinVar (database versions not stated): gnomAD below 0.00001 and 0.00001; ExAC 0.00009; TOPMed 0.00001; gnomAD exomes 0.00006.
gnomAD v4.1: 57 of 1,613,488 alleles (0.0035%); highest among the groups gnomAD compares: South Asian, 0.056%; no homozygotes.

Submissions (3):

Neuberg Centre For Genomic Medicine, NCGM
Classification: Uncertain significance for Autosomal dominant Parkinson disease 8. Last evaluated: 2023-05-20. Review status: criteria provided, single submitter. Criteria: ACMG Guidelines, 2015. Collection method: clinical testing. Allele origin: germline. Inheritance: Autosomal dominant inheritance. Affected: yes.
Comment: The observed missense c.5713G>C(p.Val1905Leu) variant in LRRK2 gene has not been reported previously as a pathogenic variant nor a benign variant, to our knowledge. The p.Val1905Leu variant has been reported with allele frequency of 0.006% in gnomAD Exomes. This variant has been submitted to the ClinVar database as Likely Benign / Uncertain Significance. Multiple lines of computational evidences (Polyphen - Possibly damaging, SIFT - Damaging and MutationTaster - Disease causing) predict a damaging effect on protein structure and function for this variant. The reference amino acid is predicted as conserved by GERP++ and PhyloP across 100 vertebrates. The amino acid Val at position 1905 is changed to a Leu changing protein sequence and it might alter its composition and physico-chemical properties. For these reasons, this variant has been classified as a Variant of Uncertain Significance (VUS).

Labcorp Genetics (formerly Invitae), Labcorp
Classification: Uncertain significance for Autosomal dominant Parkinson disease 8. Last evaluated: 2018-11-12. Review status: criteria provided, single submitter. Criteria: Invitae Variant Classification Sherloc (09022015). Collection method: clinical testing. Allele origin: germline.
Comment: Algorithms developed to predict the effect of missense changes on protein structure and function are either unavailable or do not agree on the potential impact of this missense change (SIFT: "Tolerated"; PolyPhen-2: "Possibly Damaging"; Align-GVGD: "Class C0"). This variant has not been reported in the literature in individuals with LRRK2-related disease. ClinVar contains an entry for this variant (Variation ID: 308640). This variant is present in population databases (rs754436306, ExAC 0.07%), and has an allele count higher than expected for a pathogenic variant (PMID: 28166811). This sequence change replaces valine with leucine at codon 1905 of the LRRK2 protein (p.Val1905Leu). The valine residue is highly conserved and there is a small physicochemical difference between valine and leucine. In summary, the available evidence is currently insufficient to determine the role of this variant in disease. Therefore, it has been classified as a Variant of Uncertain Significance.

Illumina Laboratory Services, Illumina
Classification: Likely benign for Autosomal dominant Parkinson disease 8. Last evaluated: 2018-01-13. Review status: criteria provided, single submitter. Criteria: ICSL Variant Classification Criteria 13 December 2019. Collection method: clinical testing. Allele origin: germline.
Comment: This variant was observed in the ICSL laboratory as part of a predisposition screen in an ostensibly healthy population. It had not been previously curated by ICSL or reported in the Human Gene Mutation Database (HGMD: prior to June 1st, 2018), and was therefore a candidate for classification through an automated scoring system. Utilizing variant allele frequency, disease prevalence and penetrance estimates, and inheritance mode, an automated score was calculated to assess if this variant is too frequent to cause the disease. Based on the score and internal cut-off values, a variant classified as likely benign is not then subjected to further curation. The score for this variant resulted in a classification of likely benign for this disease.

Literature cited by the submitters: PubMed 28166811 (cited by Labcorp Genetics (formerly Invitae), Labcorp).

NM_198578.4(LRRK2):c.5713G>C (p.Val1905Leu)

Gene: LRRK2 (leucine rich repeat kinase 2; plus strand). Cytogenetic location: 12q12.
Variant type: single nucleotide variant.
Coding change: c.5713G>C on transcript NM_198578.4 (MANE Select); coding-DNA position 5713, G replaced by C.
Protein change: p.Val1905Leu; replaces valine 1905 with leucine.
Molecular consequence: missense variant.
Genome position (GRCh38, 1-based): chr12:40,328,416, G>C. VCF-style: chr12-40328416-G-C. GRCh37 (hg19) VCF-style: chr12-40722218-G-C.
Other names: short protein forms V1905L.
Identifiers: ClinVar variation 308640 (VCV000308640.15), dbSNP rs754436306, ClinGen allele CA6514522.